The following is an entry in ClinVar:

NC_000019.9:g.(?_55525072)_(55527102_55530019)del

Gene: GP6 (glycoprotein VI platelet; minus strand). Cytogenetic location: 19q13.42.
Variant type: Deletion.
Identifiers: ClinVar variation 3374910 (VCV003374910.1).

ClinVar aggregate classification (germline): Uncertain significance (1 of 4 stars; one submission).

Submission:

Women's Health and Genetics/Laboratory Corporation of America, LabCorp
Classification: Uncertain significance. Last evaluated: 2024-09-10. Review status: criteria provided, single submitter. Criteria: LabCorp Variant Classification Summary - May 2015. Collection method: clinical testing. Allele origin: germline.
Comment: Variant summary: The variant involves the deletion of exons 7-8 in the GP6 gene. A presumed nomenclature of c.(724+1_725-1)_(*378_?)del has been designated for the purposes of this classification. The exact breakpoint at the distal 3' end of this variant is unknown, therefore this deletion may extend downstream of the annotated region of the gene. As it encompasses the termination codon, it is predicted to escape nonsense mediated decay (NMD). No pathogenic missense or in-frame deletion or truncating pathogenic variants that are also predicted to escape NMD within the deleted region. The variant was absent in 21694 control chromosomes (gnomAD SV database v4). The available data on variant occurrences in the general population are insufficient to allow any conclusion about variant significance. To our knowledge, no occurrence of c.(724+1_725-1)_(*378_?)del in individuals affected with Platelet-Type Bleeding Disorder 11 and no experimental evidence demonstrating its impact on protein function have been reported. No submitters have cited clinical-significance assessments for this variant to ClinVar. Based on the evidence outlined above, the variant was classified as uncertain significance.